The following is an entry in ClinVar:

NM_033198.4(PIGS):c.757C>T (p.Arg253Cys)

Gene: PIGS (phosphatidylinositol glycan anchor biosynthesis class S; minus strand). Cytogenetic location: 17q11.2.
Variant type: single nucleotide variant.
Coding change: c.757C>T on transcript NM_033198.4 (MANE Select); coding-DNA position 757, C replaced by T.
Protein change: p.Arg253Cys; replaces arginine 253 with cysteine.
Molecular consequence: missense variant.
Genome position (GRCh38, 1-based): chr17:28,560,111, G>A on the plus strand (C>T on the coding strand, the complement: PIGS is on the minus strand). VCF-style: chr17-28560111-G-A. GRCh37 (hg19) VCF-style: chr17-26887129-G-A.
Other names: short protein forms R253C.
Identifiers: ClinVar variation 3901808 (VCV003901808.1).
Genomic context (GRCh38, chr17:28,560,111, plus strand): 5'-GAGAGTCCACAGAGAAGTTGCCAGCGGCACCGAGGGCATTCAGGAAAGGTTGCACATAGC[G>A]CCGGACAGCCCCCTCAATGTCCCAGTAGACATCATGGGACTTGGGGTCTGGGTTGAGTAA-3'
Protein context (NP_149975.1, residues 243-263): VYWDIEGAVR[Arg253Cys]YVQPFLNALG

ClinVar aggregate classification (germline): Uncertain significance (1 of 4 stars; one submission).

Submission:

GeneDx
Classification: Uncertain significance. Last evaluated: 2024-12-05. Review status: criteria provided, single submitter. Criteria: GeneDx Variant Classification Process June 2021. Collection method: clinical testing. Allele origin: germline. Affected: yes.
Comment: Not observed at significant frequency in large population cohorts (gnomAD); In silico analysis indicates that this missense variant does not alter protein structure/function; Has not been previously published as pathogenic or benign to our knowledge